The following is an entry in ClinVar:

NM_014845.6(FIG4):c.121A>G (p.Ile41Val)

Gene: FIG4 (FIG4 phosphoinositide 5-phosphatase; plus strand). Cytogenetic location: 6q21.
Variant type: single nucleotide variant.
Coding change: c.121A>G on transcript NM_014845.6 (MANE Select); coding-DNA position 121, A replaced by G.
Protein change: p.Ile41Val; replaces isoleucine 41 with valine.
Molecular consequence: missense variant.
Genome position (GRCh38, 1-based): chr6:109,715,132, A>G. VCF-style: chr6-109715132-A-G. GRCh37 (hg19) VCF-style: chr6-110036335-A-G.
Other names: short protein forms I41V.
Identifiers: ClinVar variation 859627 (VCV000859627.8), dbSNP rs1775389277, ClinGen allele CA365211369.

ClinVar aggregate classification (germline): Uncertain significance. Review status: criteria provided, single submitter (1 of 4 stars). 2 submissions from 2 submitters: Uncertain significance (1). 1 of the submissions does not count toward it. Last evaluated 2021-08-26.

Conditions:
FIG4-related disorder. Also called: FIG4-related disorders; FIG4-related condition.
Charcot-Marie-Tooth disease type 4. Also called: Charcot-Marie-Tooth disease, type IV; Charcot-Marie-Tooth, Type 4. Identifiers: Orphanet 64749, MedGen C4082197, MONDO:0018995.

Allele frequency attached by ClinVar (database versions not stated): gnomAD 0.00001; TOPMed 0.00002.
gnomAD v4.1: 1 of 1,607,962 alleles (0.000062%); highest among the groups gnomAD compares: Admixed American, 0.0017%; no homozygotes.

Submissions (2):

Labcorp Genetics (formerly Invitae), Labcorp
Classification: Uncertain significance for Charcot-Marie-Tooth disease type 4. Last evaluated: 2021-08-26. Review status: criteria provided, single submitter. Criteria: Invitae Variant Classification Sherloc (09022015). Collection method: clinical testing. Allele origin: germline.
Comment: This sequence change replaces isoleucine with valine at codon 41 of the FIG4 protein (p.Ile41Val). The isoleucine residue is highly conserved and there is a small physicochemical difference between isoleucine and valine. This variant is not present in population databases (ExAC no frequency). This variant has not been reported in the literature in individuals affected with FIG4-related conditions. Algorithms developed to predict the effect of missense changes on protein structure and function are either unavailable or do not agree on the potential impact of this missense change (SIFT: "Deleterious"; PolyPhen-2: "Probably Damaging"; Align-GVGD: "Class C0"). Algorithms developed to predict the effect of sequence changes on RNA splicing suggest that this variant may create or strengthen a splice site. This variant disrupts the p.Ile41 amino acid residue in FIG4. Other variant(s) that disrupt this residue have been determined to be pathogenic (PMID: 17572665, 18556664, 20630877, 21705420, 23489662, 24878229). This suggests that this residue is clinically significant, and that variants that disrupt this residue are likely to be disease-causing. In summary, the available evidence is currently insufficient to determine the role of this variant in disease. Therefore, it has been classified as a Variant of Uncertain Significance.

PreventionGenetics, part of Exact Sciences
Classification: Uncertain significance for FIG4-related condition. Last evaluated: 2023-12-01. Review status: no assertion criteria provided. Collection method: clinical testing. Allele origin: germline. Not counted in ClinVar's aggregate classification.
Comment: The FIG4 c.121A>G variant is predicted to result in the amino acid substitution p.Ile41Val. To our knowledge, this variant has not been reported in the literature or in a large population database, indicating this variant is rare. Another amino acid change at this position (p.Ile41Thr) has been reported in individuals with autosomal recessive Charcot-Marie-Tooth disease (see, for example, Chow et al. 2007. PubMed ID: 17572665). At this time, the clinical significance of the c.121A>G (p.Ile41Val) variant is uncertain due to the absence of conclusive functional and genetic evidence.

Literature cited by the submitters: PubMed 17572665 (cited by Labcorp Genetics (formerly Invitae), Labcorp); PubMed 18556664 (cited by Labcorp Genetics (formerly Invitae), Labcorp); PubMed 20630877 (cited by Labcorp Genetics (formerly Invitae), Labcorp); PubMed 21705420 (cited by Labcorp Genetics (formerly Invitae), Labcorp); PubMed 23489662 (cited by Labcorp Genetics (formerly Invitae), Labcorp); PubMed 24878229 (cited by Labcorp Genetics (formerly Invitae), Labcorp).